The following is an entry in ClinVar:

NC_000017.11:g.(?_58720740)_(58724106_?)del

Gene: RAD51C (RAD51 paralog C; plus strand). Cytogenetic location: 17q22.
Variant type: Deletion.
Identifiers: ClinVar variation 471426 (VCV000471426.1).

ClinVar aggregate classification (germline): Pathogenic (1 of 4 stars; one submission).

Conditions:
Fanconi anemia complementation group O. Also called: RAD51C-Related Fanconi Anemia. Identifiers: Orphanet 84, MedGen C3150653, MONDO:0013248, OMIM 613390.

Submission:

Labcorp Genetics (formerly Invitae), Labcorp
Classification: Pathogenic for Fanconi anemia complementation group O. Last evaluated: 2017-08-07. Review status: criteria provided, single submitter. Criteria: Invitae Variant Classification Sherloc (09022015). Collection method: clinical testing. Allele origin: germline.
Comment: This variant is an out-of-frame deletion of the genomic region encompassing exons 6-7 of the RAD51C gene. This creates a premature translational stop signal and is expected to result in an absent or disrupted protein product. Deletion of exons 6-7 has not been reported in the literature in individuals with RAD51C-related disease. Loss-of-function variants in RAD51C are known to be pathogenic (PMID: 23149936). For these reasons, this variant has been classified as Pathogenic.